The following is an entry in ClinVar:

ClinVar aggregate classification (germline): Benign/Likely benign. Review status: criteria provided, multiple submitters, no conflicts (2 of 4 stars). 8 submissions from 8 submitters: Benign (2); Likely benign (3). 3 of the submissions do not count toward it. Last evaluated 2026-01-25.

Conditions:
CACNA1H-related disorder.
Epilepsy, childhood absence, susceptibility to, 6. Identifiers: Orphanet 64280, MedGen C2749872, MONDO:0012763, OMIM 611942.
Hyperaldosteronism, familial, type IV (HALD4). Also called: FH IV; ALDOSTERONISM, PRIMARY, AND HYPERTENSION. Identifiers: Orphanet 642671, MedGen C4310756, MONDO:0014875, OMIM 617027.
Idiopathic generalized epilepsy. Also called: EIG; Generalised epilepsy. Identifiers: MedGen C0270850, MONDO:0005579, OMIM 600669.

Allele frequency attached by ClinVar (database versions not stated): 1000 Genomes Project 0.00140; 1000 Genomes Project 30x 0.00141; ESP Exome Variant Server 0.00232; TOPMed 0.00252; gnomAD 0.00284 and 0.00295.

Submissions (8):

Labcorp Genetics (formerly Invitae), Labcorp
Classification: Benign for Idiopathic generalized epilepsy; Hyperaldosteronism, familial, type IV. Last evaluated: 2026-01-25. Review status: criteria provided, single submitter. Criteria: Invitae Variant Classification Sherloc (09022015). Collection method: clinical testing. Allele origin: germline.

CeGaT Center for Human Genetics Tuebingen
Classification: Likely benign. Last evaluated: 2025-06-01. Review status: criteria provided, single submitter. Criteria: CeGaT Center For Human Genetics Tuebingen Variant Classification Criteria Version 2. Collection method: clinical testing. Allele origin: germline. Affected: yes. Observed: 4 variant alleles.
Comment: CACNA1H: BP4, BS2

Blueprint Genetics
Classification: Likely benign. Last evaluated: 2024-11-26. Review status: criteria provided, single submitter. Criteria: ACMG Guidelines, 2015. Collection method: clinical testing. Allele origin: germline.

Athena Diagnostics
Classification: Benign. Last evaluated: 2024-09-16. Review status: criteria provided, single submitter. Criteria: Athena Diagnostics Criteria. Collection method: clinical testing. Allele origin: unknown.

Fulgent Genetics
Classification: Likely benign for Epilepsy, childhood absence, susceptibility to, 6; Hyperaldosteronism, familial, type IV. Last evaluated: 2022-04-30. Review status: criteria provided, single submitter. Criteria: ACMG Guidelines, 2015. Collection method: clinical testing. Allele origin: unknown.

PreventionGenetics, part of Exact Sciences
Classification: Likely benign for CACNA1H-related condition. Last evaluated: 2019-04-04. Review status: no assertion criteria provided. Collection method: clinical testing. Allele origin: germline. Not counted in ClinVar's aggregate classification.
Comment: This variant is classified as likely benign based on ACMG/AMP sequence variant interpretation guidelines (Richards et al. 2015 PMID: 25741868, with internal and published modifications).

Genome Diagnostics Laboratory, University Medical Center Utrecht
Classification: Benign. Review status: no assertion criteria provided. Collection method: clinical testing. Allele origin: germline. Affected: yes. Study: VKGL Data-share Consensus. Not counted in ClinVar's aggregate classification.

Laboratory of Diagnostic Genome Analysis, Leiden University Medical Center (LUMC)
Classification: Likely benign. Review status: no assertion criteria provided. Collection method: clinical testing. Allele origin: germline. Affected: yes. Study: VKGL Data-share Consensus. Not counted in ClinVar's aggregate classification.

NM_021098.3(CACNA1H):c.5445+4C>T

Gene: CACNA1H (calcium voltage-gated channel subunit alpha1 H; plus strand). Cytogenetic location: 16p13.3.
Variant type: single nucleotide variant.
Coding change: c.5445+4C>T on transcript NM_021098.3 (MANE Select); 4 bases into the intron after coding-DNA position 5445, C replaced by T.
Molecular consequence: intron variant.
Genome position (GRCh38, 1-based): chr16:1,218,044, C>T. VCF-style: chr16-1218044-C-T. GRCh37 (hg19) VCF-style: chr16-1268044-C-T.
Other names: c.5427+4C>T (NM_001005407.2).
Identifiers: ClinVar variation 460143 (VCV000460143.49), dbSNP rs147142971, ClinGen allele CA7802010.